The following is an entry in ClinVar:

ClinVar aggregate classification (germline): Pathogenic. Review status: criteria provided, multiple submitters, no conflicts (2 of 4 stars). 3 submissions from 3 submitters: Pathogenic (3). Last evaluated 2025-03-20.

Conditions:
Tyrosinemia type I (TYRSN1). Also called: FAH DEFICIENCY; Tyrosinemia type 1; Fumarylacetoacetase deficiency; Deficiency of fumarylacetoacetase; HEPATORENAL TYROSINEMIA. Identifiers: Orphanet 882, MedGen C0268490, MONDO:0010161, OMIM 276700. Disease mechanism: loss of function.

Submissions (3):

Women's Health and Genetics/Laboratory Corporation of America, LabCorp
Classification: Pathogenic for Tyrosinemia type I. Last evaluated: 2025-03-20. Review status: criteria provided, single submitter. Criteria: LabCorp Variant Classification Summary - May 2015. Collection method: clinical testing. Allele origin: germline.
Comment: Variant summary: FAH c.1014delC (p.Cys338X) results in a premature termination codon, predicted to cause a truncation of the encoded protein or absence of the protein due to nonsense mediated decay, which are commonly known mechanisms for disease. The variant was absent in 248426 control chromosomes. c.1014delC has been reported in the literature in individuals affected with Tyrosinemia Type 1 (e.g., Priestly_2020). These data indicate that the variant may be associated with disease. To our knowledge, no experimental evidence demonstrating an impact on protein function has been reported. The following publication has been ascertained in the context of this evaluation (PMID: 32832707). ClinVar contains an entry for this variant (Variation ID: 1926774). Based on the evidence outlined above, the variant was classified as pathogenic.

Labcorp Genetics (formerly Invitae), Labcorp
Classification: Pathogenic for Tyrosinemia type I. Last evaluated: 2024-04-27. Review status: criteria provided, single submitter. Criteria: Invitae Variant Classification Sherloc (09022015). Collection method: clinical testing. Allele origin: germline.
Comment: This sequence change creates a premature translational stop signal (p.Cys338*) in the FAH gene. It is expected to result in an absent or disrupted protein product. Loss-of-function variants in FAH are known to be pathogenic (PMID: 9101289, 9633815). This variant is not present in population databases (gnomAD no frequency). This premature translational stop signal has been observed in individual(s) with tyrosinemia type 1 (PMID: 32832707). ClinVar contains an entry for this variant (Variation ID: 1926774). For these reasons, this variant has been classified as Pathogenic.

Natera, Inc.
Classification: Pathogenic for Tyrosinemia type I. Last evaluated: 2024-02-27. Review status: criteria provided, single submitter. Criteria: Natera Variant Classification Schema (03/2026). Collection method: clinical testing. Allele origin: germline.
Comment: The c.1014delC variant in FAH is a frameshift variant predicted to shift the reading frame and introduce a stop codon. This variant is expected to result in nonsense mediated decay, truncation, or a dysfunctional protein product. This variant is rare in the general population with a frequency below the threshold expected for the associated phenotype(s). This variant has been observed in one or more individuals affected with the associated recessive disease, as either homozygous or compound heterozygous with a second variant (PMID: 32832707). Given the available evidence, this variant is classified as Pathogenic.

Literature cited by the submitters: PubMed 32832707 (cited by 3 submitters); PubMed 9101289 (cited by Labcorp Genetics (formerly Invitae), Labcorp); PubMed 9633815 (cited by Labcorp Genetics (formerly Invitae), Labcorp).

NM_000137.4(FAH):c.1014del (p.Gly337_Cys338insTer)

Gene: FAH (fumarylacetoacetate hydrolase; plus strand). Cytogenetic location: 15q25.1.
Variant type: Deletion.
Coding change: c.1014del on transcript NM_000137.4 (MANE Select); coding-DNA position 1014, one base deleted (C; older notation c.1014delC).
Protein change: p.Gly337_Cys338insTer.
Molecular consequence: nonsense.
Genome position (GRCh38, 1-based): chr15:80,180,177, C deleted. VCF-style (leftmost placement, unchanged base first): chr15-80180176-GC-G. GRCh37 (hg19) VCF-style: chr15-80472518-GC-G.
Other names: c.1014delC (NM_000137.2, NM_000137.4); c.1014del, p.Gly337_Cys338insTer (NM_001374377.1, NM_001374380.1).
Identifiers: ClinVar variation 1926774 (VCV001926774.7), dbSNP rs2505861322, ClinGen allele CA2580090069.
Genomic context (GRCh38, chr15:80,180,176, plus strand): 5'-GCCTGCAGTACATGTACTGGACGATGCTGCAGCAGCTCACTCACCACTCTGTCAACGGCT[GC>G]AACCTGCGGCCGGGGGACCTCCTGGCTTCTGGGACCATCAGCGGGCCGGTGAGTATCTGG-3'